The following is an entry in ClinVar:

NM_000089.4(COL1A2):c.1678C>A (p.Pro560Thr)

Gene: COL1A2 (collagen type I alpha 2 chain; plus strand). Cytogenetic location: 7q21.3.
Variant type: single nucleotide variant.
Coding change: c.1678C>A on transcript NM_000089.4 (MANE Select); coding-DNA position 1678, C replaced by A.
Protein change: p.Pro560Thr; replaces proline 560 with threonine.
Molecular consequence: missense variant.
Genome position (GRCh38, 1-based): chr7:94,414,234, C>A. VCF-style: chr7-94414234-C-A. GRCh37 (hg19) VCF-style: chr7-94043546-C-A.
Other names: short protein forms P560T.
Identifiers: ClinVar variation 1394046 (VCV001394046.6), dbSNP rs2115910291, ClinGen allele CA368222361.

ClinVar aggregate classification (germline): Uncertain significance (1 of 4 stars; one submission).

Conditions:
Ehlers-Danlos syndrome, classic type, 1 (EDSCL1). Also called: EHLERS-DANLOS SYNDROME, GRAVIS TYPE; EHLERS-DANLOS SYNDROME, SEVERE CLASSIC TYPE; Ehlers-Danlos syndrome, type 1; Ehlers-Danlos Syndrome, Classic Type, COL5A1-Related; EDS I. Identifiers: MedGen C0268335, MONDO:0019567, OMIM 130000.
Osteogenesis imperfecta type I (OI1). Also called: OI, TYPE I; OSTEOGENESIS IMPERFECTA TARDA; OSTEOGENESIS IMPERFECTA WITH BLUE SCLERAE; Osteogenesis imperfecta type 1; Lobstein's Disease; Lobstein disease. Identifiers: Orphanet 216796, Orphanet 666, MedGen C0023931, MONDO:0008146, OMIM 166200. Disease mechanism: loss of function.

Submission:

Labcorp Genetics (formerly Invitae), Labcorp
Classification: Uncertain significance for Osteogenesis imperfecta type I; Ehlers-Danlos syndrome, classic type, 1. Last evaluated: 2022-01-26. Review status: criteria provided, single submitter. Criteria: Invitae Variant Classification Sherloc (09022015). Collection method: clinical testing. Allele origin: germline.
Comment: This sequence change replaces proline, which is neutral and non-polar, with threonine, which is neutral and polar, at codon 560 of the COL1A2 protein (p.Pro560Thr). This variant is not present in population databases (gnomAD no frequency). This variant has not been reported in the literature in individuals affected with COL1A2-related conditions. Advanced modeling of protein sequence and biophysical properties (such as structural, functional, and spatial information, amino acid conservation, physicochemical variation, residue mobility, and thermodynamic stability) performed at Invitae indicates that this missense variant is not expected to disrupt COL1A2 protein function. In summary, the available evidence is currently insufficient to determine the role of this variant in disease. Therefore, it has been classified as a Variant of Uncertain Significance.